The following is an entry in ClinVar:

ClinVar aggregate classification (germline): Likely benign (0 of 4 stars; one submission).

Conditions:
SERPINA1-related disorder. Also called: SerpinA1-related disorders; SERPINA1-related condition.

Submission:

PreventionGenetics, part of Exact Sciences
Classification: Likely benign for SERPINA1-related condition. Last evaluated: 2020-05-04. Review status: no assertion criteria provided. Collection method: clinical testing. Allele origin: germline.
Comment: This variant is classified as likely benign based on ACMG/AMP sequence variant interpretation guidelines (Richards et al. 2015 PMID: 25741868, with internal and published modifications).

NM_000295.5(SERPINA1):c.969G>C (p.Leu323=)

Gene: SERPINA1 (serpin family A member 1; minus strand). Cytogenetic location: 14q32.13.
Variant type: single nucleotide variant.
Coding change: c.969G>C on transcript NM_000295.5 (MANE Select); coding-DNA position 969, G replaced by C.
Protein change: p.Leu323=; no amino-acid change (leucine 323 retained).
Molecular consequence: synonymous variant.
Genome position (GRCh38, 1-based): chr14:94,379,560, C>G on the plus strand (G>C on the coding strand, the complement: SERPINA1 is on the minus strand). VCF-style: chr14-94379560-C-G. GRCh37 (hg19) VCF-style: chr14-94845897-C-G.
Other names: c.969G>C, p.Leu323= (NM_001002235.3, NM_001002236.3, NM_001127700.2 and 7 more transcripts).
Identifiers: ClinVar variation 3060651 (VCV003060651.2), dbSNP rs186393785, ClinGen allele CA265860987.
Genomic context (GRCh38, chr14:94,379,560, plus strand): 5'-GGAGAGGTCAGCCCCATTGCTGAAGACCTTAGTGATGCCCAGTTGACCCAGGACGCTCTT[C>G]AGATCATAGGTTCCAGTAATGGACAGTTTGGGTAAATGTAAGCTGGCAGACCTGTCGTGC-3'
Protein context (NP_000286.3, residues 313-333): PKLSITGTYD[Leu323=]KSVLGQLGIT